The following is an entry in ClinVar:

ClinVar aggregate classification (germline): Uncertain significance (1 of 4 stars; one submission).

Conditions:
RASopathy. Also called: rasopathies; Noonan spectrum disorder. Identifiers: Orphanet 536391, MedGen C5555857, MONDO:0021060.

gnomAD v4.1: 8 of 1,614,158 alleles (0.0005%); highest among the groups gnomAD compares: Non-Finnish European, 0.00068%; no homozygotes.

Submission:

Labcorp Genetics (formerly Invitae), Labcorp
Classification: Uncertain significance for RASopathy. Last evaluated: 2025-12-09. Review status: criteria provided, single submitter. Criteria: Invitae Variant Classification Sherloc (09022015). Collection method: clinical testing. Allele origin: germline.
Comment: This sequence change replaces alanine, which is neutral and non-polar, with threonine, which is neutral and polar, at codon 580 of the RAF1 protein (p.Ala580Thr). This variant is present in population databases (rs760009469, gnomAD 0.0009%). This variant has not been reported in the literature in individuals affected with RAF1-related conditions. Invitae Evidence Modeling of protein sequence and biophysical properties (such as structural, functional, and spatial information, amino acid conservation, physicochemical variation, residue mobility, and thermodynamic stability) indicates that this missense variant is expected to disrupt RAF1 protein function with a positive predictive value of 95%. In summary, the available evidence is currently insufficient to determine the role of this variant in disease. Therefore, it has been classified as a Variant of Uncertain Significance.

NM_002880.4(RAF1):c.1738G>A (p.Ala580Thr)

Gene: RAF1 (Raf-1 proto-oncogene, serine/threonine kinase; minus strand). Cytogenetic location: 3p25.2.
Variant type: single nucleotide variant.
Coding change: c.1738G>A on transcript NM_002880.4 (MANE Select); coding-DNA position 1738, G replaced by A.
Protein change: p.Ala580Thr; replaces alanine 580 with threonine.
Molecular consequence: missense variant. On other transcripts: non-coding transcript variant (3).
Genome position (GRCh38, 1-based): chr3:12,584,912, C>T on the plus strand (G>A on the coding strand, the complement: RAF1 is on the minus strand). VCF-style: chr3-12584912-C-T. GRCh37 (hg19) VCF-style: chr3-12626411-C-T.
Other names: c.1798G>A, p.Ala600Thr (NM_001354689.3); c.1738G>A, p.Ala580Thr (NM_001354690.3); c.1495G>A, p.Ala499Thr (NM_001354691.3, NM_001354692.3); c.1639G>A, p.Ala547Thr (NM_001354693.3); c.1555G>A, p.Ala519Thr (NM_001354694.3); c.1396G>A, p.Ala466Thr (NM_001354695.3); short protein forms A466T, A499T, A519T, A547T, A580T, A600T.
Identifiers: ClinVar variation 4803230 (VCV004803230.1).